The following is an entry in ClinVar:

NM_181426.2(CCDC39):c.95C>G (p.Ser32Ter)

Gene: CCDC39 (coiled-coil domain 39 molecular ruler complex subunit; minus strand). Cytogenetic location: 3q26.33.
Variant type: single nucleotide variant.
Coding change: c.95C>G on transcript NM_181426.2 (MANE Select); coding-DNA position 95, C replaced by G.
Protein change: p.Ser32Ter; replaces serine 32 with a stop codon.
Molecular consequence: nonsense.
Genome position (GRCh38, 1-based): chr3:180,663,982, G>C on the plus strand (C>G on the coding strand, the complement: CCDC39 is on the minus strand). VCF-style: chr3-180663982-G-C. GRCh37 (hg19) VCF-style: chr3-180381770-G-C.
Other names: short protein forms S32*.
Identifiers: ClinVar variation 2746712 (VCV002746712.3), dbSNP rs992409739, ClinGen allele CA355304543.

ClinVar aggregate classification (germline): Pathogenic (1 of 4 stars; one submission).

Conditions:
Primary ciliary dyskinesia. Also called: Ciliary dyskinesia. Identifiers: Orphanet 244, MedGen C0008780, MONDO:0016575, HP:0012265.

Submission:

Labcorp Genetics (formerly Invitae), Labcorp
Classification: Pathogenic for Primary ciliary dyskinesia. Last evaluated: 2023-07-25. Review status: criteria provided, single submitter. Criteria: Invitae Variant Classification Sherloc (09022015). Collection method: clinical testing. Allele origin: germline.
Comment: For these reasons, this variant has been classified as Pathogenic. This variant has not been reported in the literature in individuals affected with CCDC39-related conditions. This variant is not present in population databases (gnomAD no frequency). This sequence change creates a premature translational stop signal (p.Ser32*) in the CCDC39 gene. It is expected to result in an absent or disrupted protein product. Loss-of-function variants in CCDC39 are known to be pathogenic (PMID: 21131972, 23255504).

Literature cited by the submitters: PubMed 21131972; PubMed 23255504.